The following is an entry in ClinVar:

NM_014806.5(RUSC2):c.3139G>T (p.Val1047Leu)

Gene: RUSC2 (RUN and SH3 domain containing 2; plus strand). Cytogenetic location: 9p13.3.
Variant type: single nucleotide variant.
Coding change: c.3139G>T on transcript NM_014806.5 (MANE Select); coding-DNA position 3139, G replaced by T.
Protein change: p.Val1047Leu; replaces valine 1047 with leucine.
Molecular consequence: missense variant. On other transcripts: non-coding transcript variant (1).
Genome position (GRCh38, 1-based): chr9:35,558,275, G>T. VCF-style: chr9-35558275-G-T. GRCh37 (hg19) VCF-style: chr9-35558272-G-T.
Other names: c.3139G>T, p.Val1047Leu (NM_001135999.2); c.505G>T, p.Val169Leu (NM_001330740.2); short protein forms V169L, V1047L.
Identifiers: ClinVar variation 1345766 (VCV001345766.6), dbSNP rs780101951, ClinGen allele CA192756808.

ClinVar aggregate classification (germline): Uncertain significance (1 of 4 stars; one submission).

gnomAD v4.1: 1 of 1,614,172 alleles (0.000062%); no homozygotes.

Submission:

Labcorp Genetics (formerly Invitae), Labcorp
Classification: Uncertain significance. Last evaluated: 2022-07-06. Review status: criteria provided, single submitter. Criteria: Invitae Variant Classification Sherloc (09022015). Collection method: clinical testing. Allele origin: germline.
Comment: ClinVar contains an entry for this variant (Variation ID: 1345766). This sequence change replaces valine, which is neutral and non-polar, with leucine, which is neutral and non-polar, at codon 1047 of the RUSC2 protein (p.Val1047Leu). This variant is not present in population databases (gnomAD no frequency). This variant has not been reported in the literature in individuals affected with RUSC2-related conditions. Algorithms developed to predict the effect of missense changes on protein structure and function output the following: SIFT: "Deleterious"; PolyPhen-2: "Benign"; Align-GVGD: "Class C0". The leucine amino acid residue is found in multiple mammalian species, which suggests that this missense change does not adversely affect protein function. In summary, the available evidence is currently insufficient to determine the role of this variant in disease. Therefore, it has been classified as a Variant of Uncertain Significance.